The following is an entry in ClinVar:

NM_018129.4(PNPO):c.363+5G>A

Gene: PNPO (pyridoxamine 5'-phosphate oxidase; plus strand). Cytogenetic location: 17q21.32.
Variant type: single nucleotide variant.
Coding change: c.363+5G>A on transcript NM_018129.4 (MANE Select); 5 bases into the intron after coding-DNA position 363, G replaced by A.
Molecular consequence: intron variant.
Genome position (GRCh38, 1-based): chr17:47,944,720, G>A. VCF-style: chr17-47944720-G-A. GRCh37 (hg19) VCF-style: chr17-46022086-G-A.
Identifiers: ClinVar variation 1810261 (VCV001810261.3), dbSNP rs766037058, ClinGen allele CA8629156.

ClinVar aggregate classification (germline): Likely pathogenic. Review status: criteria provided, multiple submitters, no conflicts (2 of 4 stars). 2 submissions from 2 submitters: Likely pathogenic (2). Last evaluated 2024-10-04.

Conditions:
Pyridoxal phosphate-responsive seizures (PNPOD). Also called: SEIZURES, PYRIDOXINE-RESISTANT, PLP-SENSITIVE; Pyridoxamine 5-Prime-Phosphate Oxidase Deficiency; EPILEPTIC ENCEPHALOPATHY, NEONATAL, PNPO-RELATED; Pyridoxal 5'-Phosphate (PLP)-Dependent Epilepsy; Pyridoxine-5'-phosphate oxidase deficiency. Identifiers: Orphanet 79096, MedGen C1864723, MONDO:0012407, OMIM 610090. Disease mechanism: loss of function.

Allele frequency attached by ClinVar (database versions not stated): gnomAD exomes below 0.00001; ExAC 0.00001.

Submissions (2):

Dubai Health Genomic Medicine Center, Dubai Health
Classification: Likely pathogenic for Pyridoxamine 5-prime-phosphate oxidase deficiency. Last evaluated: 2024-10-04. Review status: criteria provided, single submitter. Criteria: ACMG Guidelines, 2015. Collection method: research. Allele origin: germline. Affected: yes.
Comment: PM3, PP1, PM2, PP3, PS3_Supporting

Fulgent Genetics
Classification: Likely pathogenic for Pyridoxal phosphate-responsive seizures. Last evaluated: 2024-04-29. Review status: criteria provided, single submitter. Criteria: ACMG Guidelines, 2015. Collection method: clinical testing. Allele origin: germline.